The following is an entry in ClinVar:

NM_020436.5(SALL4):c.2268C>T (p.Ser756=)

Gene: SALL4 (spalt like transcription factor 4; minus strand). Cytogenetic location: 20q13.2.
Variant type: single nucleotide variant.
Coding change: c.2268C>T on transcript NM_020436.5 (MANE Select); coding-DNA position 2268, C replaced by T.
Protein change: p.Ser756=; no amino-acid change (serine 756 retained).
Molecular consequence: synonymous variant. On other transcripts: intron variant (1).
Genome position (GRCh38, 1-based): chr20:51,790,215, G>A on the plus strand (C>T on the coding strand, the complement: SALL4 is on the minus strand). VCF-style: chr20-51790215-G-A. GRCh37 (hg19) VCF-style: chr20-50406754-G-A.
Other names: c.2268C>T (LRG_675t1, NM_020436.4); c.1151-1074C>T (NM_001318031.2).
Identifiers: ClinVar variation 338768 (VCV000338768.46), dbSNP rs145078336, ClinGen allele CA9912132.

ClinVar aggregate classification (germline): Likely benign. Review status: criteria provided, multiple submitters, no conflicts (2 of 4 stars). 5 submissions from 5 submitters: Likely benign (4). 1 of the submissions does not count toward it. Last evaluated 2025-04-09.

Conditions:
Duane-radial ray syndrome (DRRS). Also called: ACRORENOOCULAR SYNDROME; DR SYNDROME; DUANE ANOMALY WITH RADIAL RAY ABNORMALITIES AND DEAFNESS; Duane-Radial Ray Syndrome/Okihiro Syndrome; Duane-Radial Ray Syndrome (DRRS) / Okihiro Syndrome; Okihiro Syndrome. Identifiers: Orphanet 93293, Orphanet 959, MedGen C1623209, MONDO:0011812, OMIM 607323. Disease mechanism: gain of function.
SALL4-Related Disorders. Also called: SALL4-related condition; SALL4-related disorder. Identifiers: MedGen CN381056.
Oculootoradial syndrome (IVIC). Also called: RADIAL RAY DEFECTS, HEARING IMPAIRMENT, EXTERNAL OPHTHALMOPLEGIA, AND THROMBOCYTOPENIA; IVIC syndrome. Identifiers: Orphanet 2307, MedGen C1327918, MONDO:0007836, OMIM 147750.

Allele frequency attached by ClinVar (database versions not stated): 1000 Genomes Project 30x 0.00016; 1000 Genomes Project 0.00020; ESP Exome Variant Server 0.00031; TOPMed 0.00037; ExAC 0.00040; gnomAD exomes 0.00041 and 0.00088; gnomAD 0.00043 and 0.00044.
gnomAD v4.1: 1,370 of 1,614,084 alleles (0.085%); highest among the groups gnomAD compares: Non-Finnish European, 0.1%; no homozygotes.

Submissions (5):

Labcorp Genetics (formerly Invitae), Labcorp
Classification: Likely benign for Duane-radial ray syndrome. Last evaluated: 2025-04-09. Review status: criteria provided, single submitter. Criteria: Invitae Variant Classification Sherloc (09022015). Collection method: clinical testing. Allele origin: germline.

Blueprint Genetics
Classification: Likely benign. Last evaluated: 2024-09-11. Review status: criteria provided, single submitter. Criteria: ACMG Guidelines, 2015. Collection method: clinical testing. Allele origin: germline.

Fulgent Genetics
Classification: Likely benign for Oculootoradial syndrome; Duane-radial ray syndrome. Last evaluated: 2021-12-04. Review status: criteria provided, single submitter. Criteria: ACMG Guidelines, 2015. Collection method: clinical testing. Allele origin: unknown.

CeGaT Center for Human Genetics Tuebingen
Classification: Likely benign. Last evaluated: 2021-06-01. Review status: criteria provided, single submitter. Criteria: CeGaT Center For Human Genetics Tuebingen Variant Classification Criteria Version 2. Collection method: clinical testing. Allele origin: germline. Affected: yes. Observed: 1 variant allele.

PreventionGenetics, part of Exact Sciences
Classification: Likely benign for SALL4-related condition. Last evaluated: 2020-01-23. Review status: no assertion criteria provided. Collection method: clinical testing. Allele origin: germline. Not counted in ClinVar's aggregate classification.
Comment: This variant is classified as likely benign based on ACMG/AMP sequence variant interpretation guidelines (Richards et al. 2015 PMID: 25741868, with internal and published modifications).